The following is an entry in ClinVar:

NM_019892.6(INPP5E):c.1224del (p.Ile409fs)

Gene: INPP5E (inositol polyphosphate-5-phosphatase E; minus strand). Cytogenetic location: 9q34.3.
Variant type: Deletion.
Coding change: c.1224del on transcript NM_019892.6 (MANE Select); coding-DNA position 1224, one base deleted (C; older notation c.1224delC).
Protein change: p.Ile409fs; shifts the reading frame from isoleucine 409.
Molecular consequence: frameshift variant.
Genome position (GRCh38, 1-based): chr9:136,433,011, G deleted on the plus strand (C on the coding strand, the reverse complement: INPP5E is on the minus strand). VCF-style (leftmost placement, unchanged base first): chr9-136433010-TG-T. GRCh37 (hg19) VCF-style: chr9-139327462-TG-T.
Other names: c.1224del, p.Ile409fs (NM_001318502.2); short protein forms I409fs.
Identifiers: ClinVar variation 1677085 (VCV001677085.1), dbSNP rs2131608743, ClinGen allele CA2573144378.

ClinVar aggregate classification (germline): Likely pathogenic (1 of 4 stars; one submission).

Conditions:
Joubert syndrome and related disorders. Identifiers: Orphanet 140874, MedGen C5679612, MONDO:0015369.

Submission:

Women's Health and Genetics/Laboratory Corporation of America, LabCorp
Classification: Likely pathogenic for Joubert syndrome and related disorders. Last evaluated: 2022-03-10. Review status: criteria provided, single submitter. Criteria: LabCorp Variant Classification Summary - May 2015. Collection method: clinical testing. Allele origin: germline.
Comment: Variant summary: INPP5E c.1224delC (p.Ile409SerfsX74) results in a premature termination codon, predicted to cause a truncation of the encoded protein or absence of the protein due to nonsense mediated decay, which are commonly known mechanisms for disease. Truncations downstream of this position have been associated with Joubert Syndrome And Related Disorders in HGMD. The variant was absent in 250180 control chromosomes (gnomAD). To our knowledge, no occurrence of c.1224delC in individuals affected with Joubert Syndrome And Related Disorders and no experimental evidence demonstrating its impact on protein function have been reported. No clinical diagnostic laboratories have submitted clinical-significance assessments for this variant to ClinVar after 2014. Based on the evidence outlined above, the variant was classified as likely pathogenic.